The following is an entry in ClinVar:

ClinVar aggregate classification (germline): Pathogenic. Review status: criteria provided, single submitter (1 of 4 stars). 2 submissions from 2 submitters: Pathogenic (1). 1 of the submissions does not count toward it. Last evaluated 2018-04-27.

Conditions:
Structural brain anomalies with impaired intellectual development and craniosynostosis. Identifiers: MedGen C5231485, MONDO:0032892, OMIM 618736.

Submissions (2):

GeneDx
Classification: Pathogenic. Last evaluated: 2018-04-27. Review status: criteria provided, single submitter. Criteria: GeneDx Variant Classification (06012015). Collection method: clinical testing. Allele origin: germline. Affected: yes.
Comment: The Q389X variant in the ZIC1 gene has been reported previously in an individual with craniosynostosis, intellectual disability, and additional cerebral anomalies (Twigg et al., 2015). Functional studies in Xenopus embryos suggest that Q389X is damaging to embryonic development (Twigg et al., 2015). This variant is predicted to cause loss of normal protein function through protein truncation as the last 59 amino acids of the ZIC1 protein are lost. The Q389X variant is not observed in large population cohorts (Lek et al., 2016). We interpret Q389X as a pathogenic variant.

OMIM
Classification: Pathogenic for STRUCTURAL BRAIN ANOMALIES WITH IMPAIRED INTELLECTUAL DEVELOPMENT AND CRANIOSYNOSTOSIS. Last evaluated: 2020-01-14. Review status: no assertion criteria provided. Collection method: literature only. Allele origin: germline. Not counted in ClinVar's aggregate classification.

Literature cited by the submitters: PubMed 26340333 (cited by OMIM).

NM_003412.4(ZIC1):c.1165C>T (p.Gln389Ter)

Gene: ZIC1 (Zic family member 1; plus strand). Cytogenetic location: 3q24.
Variant type: single nucleotide variant.
Coding change: c.1165C>T on transcript NM_003412.4 (MANE Select); coding-DNA position 1165, C replaced by T.
Protein change: p.Gln389Ter; replaces glutamine 389 with a stop codon.
Molecular consequence: nonsense.
Genome position (GRCh38, 1-based): chr3:147,413,372, C>T. VCF-style: chr3-147413372-C-T. GRCh37 (hg19) VCF-style: chr3-147131159-C-T.
Other names: short protein forms Q389*.
Identifiers: ClinVar variation 372162 (VCV000372162.4), dbSNP rs1057517668, ClinGen allele CA16042224.